The following is an entry in ClinVar:

ClinVar aggregate classification (germline): Likely benign (1 of 4 stars; one submission).

Submission:

CeGaT Center for Human Genetics Tuebingen
Classification: Likely benign. Last evaluated: 2025-02-01. Review status: criteria provided, single submitter. Criteria: CeGaT Center For Human Genetics Tuebingen Variant Classification Criteria Version 2. Collection method: clinical testing. Allele origin: germline. Affected: yes. Observed: 1 variant allele.
Comment: MN1: BP4, BP7

NM_002430.3(MN1):c.1638G>A (p.Gln546=)

Gene: MN1 (MN1 proto-oncogene, transcriptional regulator; minus strand). Cytogenetic location: 22q12.1.
Variant type: single nucleotide variant.
Coding change: c.1638G>A on transcript NM_002430.3 (MANE Select); coding-DNA position 1638, G replaced by A.
Protein change: p.Gln546=; no amino-acid change (glutamine 546 retained).
Molecular consequence: synonymous variant.
Genome position (GRCh38, 1-based): chr22:27,798,906, C>T on the plus strand (G>A on the coding strand, the complement: MN1 is on the minus strand). VCF-style: chr22-27798906-C-T. GRCh37 (hg19) VCF-style: chr22-28194894-C-T.
Identifiers: ClinVar variation 3771184 (VCV003771184.13).